The following is an entry in ClinVar:

NM_001281740.3(FHOD3):c.235C>T (p.Gln79Ter)

Gene: FHOD3 (formin homology 2 domain containing 3; plus strand). Cytogenetic location: 18q12.2.
Variant type: single nucleotide variant.
Coding change: c.235C>T on transcript NM_001281740.3 (MANE Select); coding-DNA position 235, C replaced by T.
Protein change: p.Gln79Ter; replaces glutamine 79 with a stop codon.
Molecular consequence: nonsense.
Genome position (GRCh38, 1-based): chr18:36,355,608, C>T. VCF-style: chr18-36355608-C-T. GRCh37 (hg19) VCF-style: chr18-33935571-C-T.
Other names: c.235C>T, p.Gln79Ter (NM_001281739.3, NM_025135.5); short protein forms Q79*.
Identifiers: ClinVar variation 2630984 (VCV002630984.1), dbSNP rs2511835926, ClinGen allele CA402292315.

ClinVar aggregate classification (germline): Uncertain significance (1 of 4 stars; one submission).

Conditions:
FHOD3-related disorder. Also called: FHOD3-related condition.

Submission:

PreventionGenetics, part of Exact Sciences
Classification: Uncertain significance for FHOD3-related condition. Last evaluated: 2023-10-02. Review status: criteria provided, single submitter. Criteria: ACMG Guidelines, 2015. Collection method: clinical testing. Allele origin: germline.
Comment: The FHOD3 c.235C>T variant is predicted to result in premature protein termination (p.Gln79*). To our knowledge, this variant has not been reported in the literature or in a large population database, indicating this variant is rare. Of note, loss of function variants in FHOD3 have not conclusively been associated with disease. At this time, the clinical significance of this variant is uncertain due to the absence of conclusive functional and genetic evidence.